The following is an entry in ClinVar:

ClinVar aggregate classification (germline): Uncertain significance (1 of 4 stars; one submission).

Conditions:
LAMA2-related muscular dystrophy (LAMA2-RD). Also called: Laminin alpha 2-related dystrophy. Identifiers: MedGen C5679788, MONDO:0100228.

Allele frequency attached by ClinVar (database versions not stated): gnomAD 0.00001; gnomAD exomes 0.00001; TOPMed 0.00001; ExAC 0.00002.
gnomAD v4.1: 11 of 1,612,180 alleles (0.00068%); highest among the groups gnomAD compares: Middle Eastern, 0.016%; no homozygotes.

Submission:

Labcorp Genetics (formerly Invitae), Labcorp
Classification: Uncertain significance for LAMA2-related muscular dystrophy. Last evaluated: 2021-08-26. Review status: criteria provided, single submitter. Criteria: Invitae Variant Classification Sherloc (09022015). Collection method: clinical testing. Allele origin: germline.
Comment: This sequence change replaces serine with asparagine at codon 2374 of the LAMA2 protein (p.Ser2374Asn). The serine residue is weakly conserved and there is a small physicochemical difference between serine and asparagine. This variant is present in population databases (rs755168390, ExAC 0.004%). This variant has not been reported in the literature in individuals affected with LAMA2-related conditions. Algorithms developed to predict the effect of missense changes on protein structure and function output the following: SIFT: "Tolerated"; PolyPhen-2: "Benign"; Align-GVGD: "Class C0". The asparagine amino acid residue is found in multiple mammalian species, which suggests that this missense change does not adversely affect protein function. In summary, the available evidence is currently insufficient to determine the role of this variant in disease. Therefore, it has been classified as a Variant of Uncertain Significance.

NM_000426.4(LAMA2):c.7121G>A (p.Ser2374Asn)

Gene: LAMA2 (laminin subunit alpha 2; plus strand). Cytogenetic location: 6q22.33.
Variant type: single nucleotide variant.
Coding change: c.7121G>A on transcript NM_000426.4 (MANE Select); coding-DNA position 7121, G replaced by A.
Protein change: p.Ser2374Asn; replaces serine 2374 with asparagine.
Molecular consequence: missense variant.
Genome position (GRCh38, 1-based): chr6:129,464,418, G>A. VCF-style: chr6-129464418-G-A. GRCh37 (hg19) VCF-style: chr6-129785563-G-A.
Other names: c.7121G>A, p.Ser2374Asn (NM_001079823.2); short protein forms S2374N.
Identifiers: ClinVar variation 969200 (VCV000969200.3), dbSNP rs755168390, ClinGen allele CA3994447.